The following is an entry in ClinVar:

NC_000009.11:g.(?_420381)_(464239_?)dup

Gene: DOCK8 (dedicator of cytokinesis 8; plus strand). Cytogenetic location: 9p24.3.
Variant type: Duplication.
Identifiers: ClinVar variation 647469 (VCV000647469.9).

ClinVar aggregate classification (germline): Uncertain significance (1 of 4 stars; one submission).

Conditions:
Hyper-IgE recurrent infection syndrome 3, autosomal recessive. Also called: Autosomal recessive hyper-IgE syndrome due to ZNF341 deficiency; HYPER-IgE SYNDROME 3, AUTOSOMAL RECESSIVE, WITH RECURRENT INFECTIONS. Identifiers: Orphanet 641368, MedGen C4748969, MONDO:0032654, OMIM 618282.

Submission:

Labcorp Genetics (formerly Invitae), Labcorp
Classification: Uncertain significance for Combined immunodeficiency due to DOCK8 deficiency. Last evaluated: 2018-11-21. Review status: criteria provided, single submitter. Criteria: Invitae Variant Classification Sherloc (09022015). Collection method: clinical testing. Allele origin: germline.
Comment: In summary, the available evidence is currently insufficient to determine the role of this variant in disease. Therefore, it has been classified as a Variant of Uncertain Significance. This variant has not been reported in the literature in individuals with DOCK8-related conditions. This variant results in a copy number gain of the genomic region encompassing exons 31-48 of the DOCK8 gene. The 5' boundary is likely confined to intron 30. The 3' end of this event is unknown as it extends beyond the assayed region for this gene and therefore may encompass additional genes. As the precise location of this event is unknown, it may be in tandem or it may be located elsewhere in the genome.